The following is an entry in ClinVar:

ClinVar aggregate classification (germline): Uncertain significance. Review status: criteria provided, multiple submitters, no conflicts (2 of 4 stars). 2 submissions from 2 submitters: Uncertain significance (2). Last evaluated 2025-10-29.

Conditions:
Inborn genetic diseases. Identifiers: MedGen C0950123, MeSH D030342.

gnomAD v4.1: 105 of 1,613,352 alleles (0.0065%); highest among the groups gnomAD compares: Non-Finnish European, 0.0087%; no homozygotes.

Submissions (2):

Ambry Genetics
Classification: Uncertain significance for Inborn genetic diseases. Last evaluated: 2025-10-29. Review status: criteria provided, single submitter. Criteria: Ambry Variant Classification Scheme 2023. Collection method: clinical testing. Allele origin: germline.

GeneDx
Classification: Uncertain significance. Last evaluated: 2024-08-12. Review status: criteria provided, single submitter. Criteria: GeneDx Variant Classification Process June 2021. Collection method: clinical testing. Allele origin: germline. Affected: yes.
Comment: In silico analysis supports that this missense variant has a deleterious effect on protein structure/function; Has not been previously published as pathogenic or benign to our knowledge

NM_005559.4(LAMA1):c.8202A>C (p.Arg2734Ser)

Genes: LAMA1 (laminin subunit alpha 1; minus strand), LOC101927188 (uncharacterized LOC101927188; plus strand). Cytogenetic location: 18p11.31.
Variant type: single nucleotide variant.
Coding change: c.8202A>C on transcript NM_005559.4 (MANE Select); coding-DNA position 8202, A replaced by C.
Protein change: p.Arg2734Ser; replaces arginine 2734 with serine.
Molecular consequence: missense variant.
Genome position (GRCh38, 1-based): chr18:6,955,358, T>G on the plus strand (A>C on the coding strand, the complement: LAMA1 is on the minus strand). VCF-style: chr18-6955358-T-G. GRCh37 (hg19) VCF-style: chr18-6955357-T-G.
Other names: short protein forms R2734S.
Identifiers: ClinVar variation 3731072 (VCV003731072.2).
Genomic context (GRCh38, chr18:6,955,358, plus strand): 5'-ACCCCCATACATCTAGCAATGAGACGCCGCATAAGGATGTTAGAATGATACCTACTTCTT[T>G]CTGACAGCCGACTGATTAAAAGGCAAGATGAAATGGCTGTTTTGTGTGAGACCAAACTGG-3'
Protein context (NP_005550.2, residues 2724-2744): FILPFNQSAV[Arg2734Ser]KKLSVELSIR